The following is an entry in ClinVar:

ClinVar aggregate classification (germline): Likely pathogenic (1 of 4 stars; one submission).

Submission:

Labcorp Genetics (formerly Invitae), Labcorp
Classification: Likely pathogenic. Last evaluated: 2022-09-08. Review status: criteria provided, single submitter. Criteria: Invitae Variant Classification Sherloc (09022015). Collection method: clinical testing. Allele origin: germline.
Comment: In summary, the currently available evidence indicates that the variant is pathogenic, but additional data are needed to prove that conclusively. Therefore, this variant has been classified as Likely Pathogenic. This variant disrupts a region of the COL4A3 protein in which other variant(s) (p.Gly1247Asp) have been observed in individuals with COL4A3-related conditions (PMID: 26809805). This suggests that this is a clinically significant region of the protein, and that variants that disrupt it are likely to be disease-causing. Algorithms developed to predict the effect of sequence changes on RNA splicing suggest that this variant may disrupt the consensus splice site. ClinVar contains an entry for this variant (Variation ID: 942802). This variant has not been reported in the literature in individuals affected with COL4A3-related conditions. This variant is not present in population databases (gnomAD no frequency). This variant results in the deletion of part of exon 48 (c.4253-18_4283del) of the COL4A3 gene. It is expected to disrupt RNA splicing. Variants that disrupt the donor or acceptor splice site typically lead to a loss of protein function (PMID: 16199547), and loss-of-function variants in COL4A3 are known to be pathogenic (PMID: 8956999, 24854265, 26809805, 27281700).

Literature cited by the submitters: PubMed 26809805; PubMed 16199547; PubMed 8956999; PubMed 24854265; PubMed 27281700.

NM_000091.5(COL4A3):c.4253-18_4283del

Genes: COL4A3 (collagen type IV alpha 3 chain; plus strand), MFF-DT (MFF divergent transcript; minus strand). Cytogenetic location: 2q36.3.
Variant type: Deletion.
Coding change: c.4253-18_4283del on transcript NM_000091.5 (MANE Select); 18 bases into the intron before coding-DNA position 4253 through coding-DNA position 4283, 49 bases deleted.
Molecular consequence: splice acceptor variant.
Genome position (GRCh38, 1-based): chr2:227,307,692-227,307,740, 49 bases deleted; deleting any 49 consecutive bases within chr2:227,307,689-227,307,740 gives the same sequence; the c. name uses the placement nearest the transcript's 3' end. GRCh37 (hg19): chr2:228,172,408-228,172,456.
Identifiers: ClinVar variation 942802 (VCV000942802.7), dbSNP rs2073564905, ClinGen allele CA1139657748.